The following is an entry in ClinVar:

ClinVar aggregate classification (germline): Uncertain significance (1 of 4 stars; one submission).

Conditions:
Hereditary sensory and autonomic neuropathy type 7. Also called: Neuropathy, hereditary sensory and autonomic, type VII; HSAN VII. Identifiers: Orphanet 391397, MedGen C3809882, MONDO:0014244, OMIM 615548.
Familial episodic pain syndrome with predominantly lower limb involvement. Also called: Episodic pain syndrome, familial, 3. Identifiers: Orphanet 391384, Orphanet 391392, MedGen C3809899, MONDO:0014247, OMIM 615552.

Submission:

Labcorp Genetics (formerly Invitae), Labcorp
Classification: Uncertain significance for Familial episodic pain syndrome with predominantly lower limb involvement; Hereditary sensory and autonomic neuropathy type 7. Last evaluated: 2023-01-20. Review status: criteria provided, single submitter. Criteria: Invitae Variant Classification Sherloc (09022015). Collection method: clinical testing. Allele origin: germline.
Comment: In summary, the available evidence is currently insufficient to determine the role of this variant in disease. Therefore, it has been classified as a Variant of Uncertain Significance. Algorithms developed to predict the effect of sequence changes on RNA splicing suggest that this variant may create or strengthen a splice site. This variant has not been reported in the literature in individuals affected with SCN11A-related conditions. This variant is not present in population databases (gnomAD no frequency). This sequence change affects codon 281 of the SCN11A mRNA. It is a 'silent' change, meaning that it does not change the encoded amino acid sequence of the SCN11A protein.

NM_001349253.2(SCN11A):c.843G>A (p.Leu281=)

Gene: SCN11A (sodium voltage-gated channel alpha subunit 11; minus strand). Cytogenetic location: 3p22.2.
Variant type: single nucleotide variant.
Coding change: c.843G>A on transcript NM_001349253.2 (MANE Select); coding-DNA position 843, G replaced by A.
Protein change: p.Leu281=; no amino-acid change (leucine 281 retained).
Molecular consequence: synonymous variant.
Genome position (GRCh38, 1-based): chr3:38,921,125, C>T on the plus strand (G>A on the coding strand, the complement: SCN11A is on the minus strand). VCF-style: chr3-38921125-C-T. GRCh37 (hg19) VCF-style: chr3-38962616-C-T.
Other names: c.843G>A, p.Leu281= (NM_014139.3).
Identifiers: ClinVar variation 2943476 (VCV002943476.3), dbSNP rs2066043846, ClinGen allele CA433142116.